The following is an entry in ClinVar:

NM_004385.5(VCAN):c.4687G>A (p.Ala1563Thr)

Genes: VCAN (versican; plus strand), VCAN-AS1 (VCAN antisense RNA 1; minus strand). Cytogenetic location: 5q14.3.
Variant type: single nucleotide variant.
Coding change: c.4687G>A on transcript NM_004385.5 (MANE Select); coding-DNA position 4687, G replaced by A.
Protein change: p.Ala1563Thr; replaces alanine 1563 with threonine.
Molecular consequence: missense variant. On other transcripts: intron variant (2).
Genome position (GRCh38, 1-based): chr5:83,537,690, G>A. VCF-style: chr5-83537690-G-A. GRCh37 (hg19) VCF-style: chr5-82833509-G-A.
Other names: c.1726G>A, p.Ala576Thr (NM_001164097.2); c.4004-7847G>A (NM_001164098.2); c.1043-7847G>A (NM_001126336.3); short protein forms A576T, A1563T.
Identifiers: ClinVar variation 1470984 (VCV001470984.8), dbSNP rs1554040538, ClinGen allele CA360308792.

ClinVar aggregate classification (germline): Uncertain significance (1 of 4 stars; one submission).

Allele frequency attached by ClinVar (database versions not stated): gnomAD exomes below 0.00001.
gnomAD v4.1: 2 of 1,613,906 alleles (0.00012%); highest among the groups gnomAD compares: Non-Finnish European, 0.00017%; no homozygotes.

Submission:

Labcorp Genetics (formerly Invitae), Labcorp
Classification: Uncertain significance. Last evaluated: 2021-07-19. Review status: criteria provided, single submitter. Criteria: Invitae Variant Classification Sherloc (09022015). Collection method: clinical testing. Allele origin: germline.
Comment: In summary, the available evidence is currently insufficient to determine the role of this variant in disease. Therefore, it has been classified as a Variant of Uncertain Significance. Algorithms developed to predict the effect of missense changes on protein structure and function (SIFT, PolyPhen-2, Align-GVGD) all suggest that this variant is likely to be tolerated. This variant has not been reported in the literature in individuals affected with VCAN-related conditions. This variant is not present in population databases (ExAC no frequency). This sequence change replaces alanine with threonine at codon 1563 of the VCAN protein (p.Ala1563Thr). The alanine residue is weakly conserved and there is a small physicochemical difference between alanine and threonine.